The following is an entry in ClinVar:

ClinVar aggregate classification (germline): Benign/Likely benign. Review status: criteria provided, multiple submitters, no conflicts (2 of 4 stars). 7 submissions from 7 submitters: Benign (5); Likely benign (1). 1 of the submissions does not count toward it. Last evaluated 2026-02-02.

Conditions:
Fanconi anemia complementation group P. Also called: SLX4-Related Fanconi Anemia. Identifiers: Orphanet 84, MedGen C3469542, MONDO:0013499, OMIM 613951.
Fanconi anemia (FA). Also called: Fanconi's anemia. Identifiers: Orphanet 84, MedGen C0015625, MeSH D005199, MONDO:0019391.

Allele frequency attached by ClinVar (database versions not stated): gnomAD exomes 0.00257; ExAC 0.00308; 1000 Genomes Project 0.00879; gnomAD 0.00909 and 0.00974; ESP Exome Variant Server 0.00939; TOPMed 0.00942; 1000 Genomes Project 30x 0.00999.

Submissions (7):

Labcorp Genetics (formerly Invitae), Labcorp
Classification: Benign for Fanconi anemia. Last evaluated: 2026-02-02. Review status: criteria provided, single submitter. Criteria: Invitae Variant Classification Sherloc (09022015). Collection method: clinical testing. Allele origin: germline.

Blueprint Genetics
Classification: Likely benign. Last evaluated: 2024-11-25. Review status: criteria provided, single submitter. Criteria: ACMG Guidelines, 2015. Collection method: clinical testing. Allele origin: germline.

KCCC/NGS Laboratory, Kuwait Cancer Control Center
Classification: Benign for Fanconi anemia complementation group P. Last evaluated: 2023-07-07. Review status: criteria provided, single submitter. Criteria: ACMG Guidelines, 2015. Collection method: clinical testing. Allele origin: germline. Affected: yes.

Genetic Services Laboratory, University of Chicago
Classification: Benign. Last evaluated: 2021-12-20. Review status: criteria provided, single submitter. Criteria: ACMG Guidelines, 2015. Collection method: clinical testing. Allele origin: germline. Affected: no.

Illumina Laboratory Services, Illumina
Classification: Benign for Fanconi anemia complementation group P. Last evaluated: 2017-04-27. Review status: criteria provided, single submitter. Criteria: ICSL Variant Classification Criteria 13 December 2019. Collection method: clinical testing. Allele origin: germline.
Comment: This variant was observed as part of a predisposition screen in an ostensibly healthy population. A literature search was performed for the gene, cDNA change, and amino acid change (where applicable). No publications were found based on this search. Allele frequency data from public databases was too high to be consistent with this variant causing disease. Therefore, this variant is classified as benign.

Breakthrough Genomics
Classification: Benign. Review status: criteria provided, single submitter. Criteria: ACMG Guidelines, 2015. Collection method: not provided. Allele origin: germline. Inheritance: Autosomal recessive inheritance. Affected: yes.

Leiden Open Variation Database
Classification: Likely benign. Last evaluated: 2012-08-31. Review status: no assertion criteria provided. Collection method: curation. Allele origin: germline. Affected: yes. Not counted in ClinVar's aggregate classification.
Comment: Curator: Arleen D. Auerbach. Submitter to LOVD: Janine Bakker.

Literature cited by the submitters: PubMed 22911665 (cited by Leiden Open Variation Database).

NM_032444.4(SLX4):c.999C>T (p.Ile333=)

Gene: SLX4 (SLX4 structure-specific endonuclease subunit; minus strand). Cytogenetic location: 16p13.3.
Variant type: single nucleotide variant.
Coding change: c.999C>T on transcript NM_032444.4 (MANE Select); coding-DNA position 999, C replaced by T.
Protein change: p.Ile333=; no amino-acid change (isoleucine 333 retained).
Molecular consequence: synonymous variant.
Genome position (GRCh38, 1-based): chr16:3,601,143, G>A on the plus strand (C>T on the coding strand, the complement: SLX4 is on the minus strand). VCF-style: chr16-3601143-G-A. GRCh37 (hg19) VCF-style: chr16-3651144-G-A.
Other names: c.999C>T (LRG_503t1).
Identifiers: ClinVar variation 241702 (VCV000241702.22), dbSNP rs7198338, ClinGen allele CA7866661.